The following is an entry in ClinVar:

ClinVar aggregate classification (germline): Conflicting classifications of pathogenicity. Review status: criteria provided, conflicting classifications (1 of 4 stars). 12 submissions from 8 submitters: Uncertain significance (11); Likely benign (1). Last evaluated 2025-12-12.

Conditions:
Early-onset myopathy with fatal cardiomyopathy (CMYO5). Also called: Salih Myopathy; CONGENITAL MYOPATHY 5 WITH CARDIOMYOPATHY. Identifiers: Orphanet 289377, MedGen C2673677, MONDO:0012714, OMIM 611705. Disease mechanism: loss of function.
Autosomal recessive limb-girdle muscular dystrophy type 2J (LGMDR10). Also called: Limb-girdle muscular dystrophy, type 2J; MUSCULAR DYSTROPHY, LIMB-GIRDLE, AUTOSOMAL RECESSIVE 10. Identifiers: Orphanet 140922, MedGen C1837342, MONDO:0012127, OMIM 608807.
Dilated cardiomyopathy 1G (CMD1G). Identifiers: Orphanet 154, MedGen C1858763, MONDO:0011400, OMIM 604145.
Tibial muscular dystrophy (TMD). Also called: Tibial muscular dystrophy, tardive; UDD MYOPATHY; Udd Distal Myopathy – Tibial Muscular Dystrophy. Identifiers: Orphanet 609, MedGen C1838244, MONDO:0010870, OMIM 600334.
Hypertrophic cardiomyopathy 9. Also called: Familial hypertrophic cardiomyopathy 9. Identifiers: MedGen C1861065, MONDO:0013412, OMIM 613765.
Myopathy, myofibrillar, 9, with early respiratory failure (MFM9). Also called: EDSTROM MYOPATHY; MYOPATHY, PROXIMAL, WITH EARLY RESPIRATORY MUSCLE INVOLVEMENT; Myopathy, distal, with early respiratory failure, autosomal dominant; Hereditary myopathy with early respiratory failure. Identifiers: Orphanet 178464, Orphanet 34521, MedGen C1863599, MONDO:0011362, OMIM 603689.

Allele frequency attached by ClinVar (database versions not stated): ExAC 0.00003; gnomAD exomes 0.00004; ESP Exome Variant Server 0.00008; TOPMed 0.00008; gnomAD 0.00009.
gnomAD v4.1: 278 of 1,612,800 alleles (0.017%); highest among the groups gnomAD compares: Non-Finnish European, 0.022%; no homozygotes.

Submissions (12):

Women's Health and Genetics/Laboratory Corporation of America, LabCorp
Classification: Uncertain significance. Last evaluated: 2025-12-12. Review status: criteria provided, single submitter. Criteria: LabCorp Variant Classification Summary - May 2015. Collection method: clinical testing. Allele origin: germline.
Comment: Variant summary: TTN c.43070T>C (p.Val14357Ala) results in a non-conservative amino acid change in the encoded protein sequence. Algorithms developed to predict the effect of missense changes on protein structure and function are either unavailable or do not agree on the potential impact of this missense change. The variant allele was found at a frequency of 3.6e-05 in 247360 control chromosomes. The available data on variant occurrences in the general population are insufficient to allow any conclusion about variant significance. c.43070T>C has been observed in an individual affected with Dilated Cardiomyopathy (Mazzarotto_2020). This report does not provide unequivocal conclusions about association of the variant with TTN-related conditions. To our knowledge, no experimental evidence demonstrating an impact on protein function has been reported. The following publication have been ascertained in the context of this evaluation (PMID: 31983221). ClinVar contains an entry for this variant (Variation ID: 202686). Based on the evidence outlined above, the variant was classified as uncertain significance.

Revvity Omics, Revvity
Classification: Uncertain significance. Last evaluated: 2024-05-06. Review status: criteria provided, single submitter. Criteria: ACMG Guidelines, 2015. Collection method: clinical testing. Allele origin: germline.

CeGaT Center for Human Genetics Tuebingen
Classification: Uncertain significance. Last evaluated: 2023-07-01. Review status: criteria provided, single submitter. Criteria: CeGaT Center For Human Genetics Tuebingen Variant Classification Criteria Version 2. Collection method: clinical testing. Allele origin: germline. Affected: yes. Observed: 1 variant allele.
Comment: TTN: PM2, BP1

Department of Pathology and Laboratory Medicine, Sinai Health System
Classification: Uncertain significance for Tibial muscular dystrophy; Autosomal recessive limb-girdle muscular dystrophy type 2J; Dilated cardiomyopathy 1G; Early-onset myopathy with fatal cardiomyopathy; Hypertrophic cardiomyopathy 9. Last evaluated: 2021-08-04. Review status: criteria provided, single submitter. Criteria: ACMG Guidelines, 2015. Collection method: research. Allele origin: germline.

GeneDx
Classification: Likely benign. Last evaluated: 2020-09-08. Review status: criteria provided, single submitter. Criteria: GeneDx Variant Classification Process June 2021. Collection method: clinical testing. Allele origin: germline. Affected: yes.
Comment: This variant is associated with the following publications: (PMID: 31983221)

Illumina Laboratory Services, Illumina
Classification: Uncertain significance for Autosomal recessive limb-girdle muscular dystrophy type 2J. Last evaluated: 2018-01-13. Review status: criteria provided, single submitter. Criteria: ICSL Variant Classification Criteria 13 December 2019. Collection method: clinical testing. Allele origin: germline.

Illumina Laboratory Services, Illumina
Classification: Uncertain significance for Myopathy, myofibrillar, 9, with early respiratory failure. Last evaluated: 2018-01-13. Review status: criteria provided, single submitter. Criteria: ICSL Variant Classification Criteria 13 December 2019. Collection method: clinical testing. Allele origin: germline.

Illumina Laboratory Services, Illumina
Classification: Uncertain significance for Early-onset myopathy with fatal cardiomyopathy. Last evaluated: 2018-01-13. Review status: criteria provided, single submitter. Criteria: ICSL Variant Classification Criteria 13 December 2019. Collection method: clinical testing. Allele origin: germline.

Illumina Laboratory Services, Illumina
Classification: Uncertain significance for Dilated cardiomyopathy 1G. Last evaluated: 2018-01-13. Review status: criteria provided, single submitter. Criteria: ICSL Variant Classification Criteria 13 December 2019. Collection method: clinical testing. Allele origin: germline.

Illumina Laboratory Services, Illumina
Classification: Uncertain significance for Tibial muscular dystrophy. Last evaluated: 2018-01-13. Review status: criteria provided, single submitter. Criteria: ICSL Variant Classification Criteria 13 December 2019. Collection method: clinical testing. Allele origin: germline.

Labcorp Genetics (formerly Invitae), Labcorp
Classification: Uncertain significance for Dilated cardiomyopathy 1G; Autosomal recessive limb-girdle muscular dystrophy type 2J. Last evaluated: 2017-12-06. Review status: criteria provided, single submitter. Criteria: Invitae Variant Classification Sherloc (09022015). Collection method: clinical testing. Allele origin: germline.

Laboratory for Molecular Medicine, Mass General Brigham Personalized Medicine
Classification: Uncertain significance. Last evaluated: 2015-04-18. Review status: criteria provided, single submitter. Criteria: LMM Criteria. Collection method: clinical testing. Allele origin: germline. Observed: 2 variant alleles.
Comment: The p.Val14357Ala variant has also been identified in 4/66492 European chr omosomes by the Exome Aggregation Consortium (ExAC, rg; dbSNP rs370067597). Computational prediction tools and conservation analysis do not provide strong support for or against an impact to the protein. In summa ry, the clinical significance of the p.Val14357Ala variant is uncertain.

Literature cited by the submitters: PubMed 31983221 (cited by Women's Health and Genetics/Laboratory Corporation of America, LabCorp).

NM_001267550.2(TTN):c.50774T>C (p.Val16925Ala)

Genes: TTN-AS1 (TTN antisense RNA 1; plus strand), TTN (titin; minus strand). Cytogenetic location: 2q31.2.
Variant type: single nucleotide variant.
Coding change: c.50774T>C on transcript NM_001267550.2 (MANE Select); coding-DNA position 50774, T replaced by C.
Protein change: p.Val16925Ala; replaces valine 16925 with alanine.
Molecular consequence: missense variant.
Genome position (GRCh38, 1-based): chr2:178,611,455, A>G on the plus strand (T>C on the coding strand, the complement: TTN is on the minus strand). VCF-style: chr2-178611455-A-G. GRCh37 (hg19) VCF-style: chr2-179476182-A-G.
Other names: p.V15284A:GTC>GCC; c.45851T>C, p.Val15284Ala (NM_001256850.1); c.43070T>C, p.Val14357Ala (NM_133378.4); c.23579T>C, p.Val7860Ala (NM_003319.4); c.23954T>C, p.Val7985Ala (NM_133432.3); c.24155T>C, p.Val8052Ala (NM_133437.4); short protein forms V15284A, V16925A, V14357A, V7985A, V7860A, V8052A.
Identifiers: ClinVar variation 202686 (VCV000202686.41), dbSNP rs370067597, ClinGen allele CA309980.